The following is an entry in ClinVar:

NM_016203.4(PRKAG2):c.1336A>G (p.Ile446Val)

Gene: PRKAG2 (protein kinase AMP-activated non-catalytic subunit gamma 2; minus strand). Cytogenetic location: 7q36.1.
Variant type: single nucleotide variant.
Coding change: c.1336A>G on transcript NM_016203.4 (MANE Select); coding-DNA position 1336, A replaced by G.
Protein change: p.Ile446Val; replaces isoleucine 446 with valine.
Molecular consequence: missense variant.
Genome position (GRCh38, 1-based): chr7:151,565,783, T>C on the plus strand (A>G on the coding strand, the complement: PRKAG2 is on the minus strand). VCF-style: chr7-151565783-T-C. GRCh37 (hg19) VCF-style: chr7-151262869-T-C.
Other names: c.661A>G, p.Ile221Val (NM_001407038.1); c.610A>G, p.Ile204Val (NM_001407039.1, NM_001407040.1, NM_001407036.1); c.613A>G, p.Ile205Val (NM_024429.2, NM_001304531.2, NM_001407034.1 and 1 more transcripts); c.1204A>G, p.Ile402Val (NM_001040633.2, NM_001407024.1); c.961A>G, p.Ile321Val (NM_001304527.2, NM_001407029.1); c.964A>G, p.Ile322Val (NM_001363698.2, NM_001407028.1); c.1336A>G, p.Ile446Val (NM_001407021.1); c.1333A>G, p.Ile445Val (NM_001407022.1, NM_001407023.1); and 6 more; short protein forms I204V, I205V, I221V, I225V, I321V, I322V, I338V, I340V.
Identifiers: ClinVar variation 3894415 (VCV003894415.2).

ClinVar aggregate classification (germline): Uncertain significance. Review status: criteria provided, multiple submitters, no conflicts (2 of 4 stars). 2 submissions from 2 submitters: Uncertain significance (2). Last evaluated 2023-11-29.

Conditions:
Cardiomyopathy (CMYO). Also called: Cardiomyopathies. Identifiers: Orphanet 167848, MedGen C0878544, MONDO:0004994, HP:0001638. Inheritance: Various modes of inheritance.

gnomAD v4.1: 1 of 1,613,252 alleles (0.000062%); highest among the groups gnomAD compares: Non-Finnish European, 0.000085%; no homozygotes.

Submissions (2):

Color Diagnostics, LLC DBA Color Health
Classification: Uncertain significance for Cardiomyopathy. Last evaluated: 2023-11-29. Review status: criteria provided, single submitter. Criteria: ACMG Guidelines, 2015. Collection method: clinical testing. Allele origin: germline.
Comment: This missense variant replaces isoleucine with valine at codon 446 of the PRKAG2 protein. Computational prediction suggests that this variant may not impact protein structure and function (internally defined REVEL score threshold <= 0.5, PMID: 27666373). To our knowledge, functional studies have not been reported for this variant. This variant has not been reported in individuals affected with PRKAG2-related disorders in the literature. This variant has not been identified in the general population by the Genome Aggregation Database (gnomAD). The available evidence is insufficient to determine the role of this variant in disease conclusively. Therefore, this variant is classified as a Variant of Uncertain Significance.

Blueprint Genetics
Classification: Uncertain significance. Last evaluated: 2022-07-06. Review status: criteria provided, single submitter. Criteria: ACMG Guidelines, 2015. Collection method: clinical testing. Allele origin: germline.